The following is an entry in ClinVar:

ClinVar aggregate classification (germline): Uncertain significance (1 of 4 stars; one submission).

Submission:

GeneDx
Classification: Uncertain significance. Last evaluated: 2024-12-03. Review status: criteria provided, single submitter. Criteria: GeneDx Variant Classification Process June 2021. Collection method: clinical testing. Allele origin: germline. Affected: yes.
Comment: Not observed at significant frequency in large population cohorts (gnomAD); In silico analysis supports that this missense variant has a deleterious effect on protein structure/function; Has not been previously published as pathogenic or benign to our knowledge

NM_005340.7(HINT1):c.296A>G (p.Asn99Ser)

Gene: HINT1 (histidine triad nucleotide binding protein 1; minus strand). Cytogenetic location: 5q23.3.
Variant type: single nucleotide variant.
Coding change: c.296A>G on transcript NM_005340.7 (MANE Select); coding-DNA position 296, A replaced by G.
Protein change: p.Asn99Ser; replaces asparagine 99 with serine.
Molecular consequence: missense variant. On other transcripts: non-coding transcript variant (5).
Genome position (GRCh38, 1-based): chr5:131,159,532, T>C on the plus strand (A>G on the coding strand, the complement: HINT1 is on the minus strand). VCF-style: chr5-131159532-T-C. GRCh37 (hg19) VCF-style: chr5-130495225-T-C.
Other names: short protein forms N99S.
Identifiers: ClinVar variation 3901749 (VCV003901749.1).